The following is an entry in ClinVar:

ClinVar aggregate classification (germline): Likely benign (1 of 4 stars; one submission).

Conditions:
Cystathioninuria. Also called: CYSTATHIONASE DEFICIENCY. Identifiers: Orphanet 212, MedGen C0220993, MONDO:0009058, OMIM 219500, HP:0003153.

Allele frequency attached by ClinVar (database versions not stated): gnomAD exomes 0.00218; gnomAD 0.02013 and 0.02153; 1000 Genomes Project 30x 0.02249; 1000 Genomes Project 0.02196; TOPMed 0.02263.
gnomAD v4.1: 3,156 of 202,522 alleles (1.6%); highest among the groups gnomAD compares: African/African-American, 6.9%; 111 homozygotes.

Submission:

Illumina Laboratory Services, Illumina
Classification: Likely benign for Cystathioninuria. Last evaluated: 2018-01-12. Review status: criteria provided, single submitter. Criteria: ICSL Variant Classification Criteria 13 December 2019. Collection method: clinical testing. Allele origin: germline.
Comment: This variant was observed in the ICSL laboratory as part of a predisposition screen in an ostensibly healthy population. It had not been previously curated by ICSL or reported in the Human Gene Mutation Database (HGMD: prior to June 1st, 2018), and was therefore a candidate for classification through an automated scoring system. Utilizing variant allele frequency, disease prevalence and penetrance estimates, and inheritance mode, an automated score was calculated to assess if this variant is too frequent to cause the disease. Based on the score and internal cut-off values, a variant classified as likely benign is not then subjected to further curation. The score for this variant resulted in a classification of likely benign for this disease.

NM_001902.6(CTH):c.*389T>C

Gene: CTH (cystathionine gamma-lyase; plus strand). Cytogenetic location: 1p31.1.
Variant type: single nucleotide variant.
Coding change: c.*389T>C on transcript NM_001902.6 (MANE Select); 389 bases downstream of the stop codon, T replaced by C.
Molecular consequence: 3 prime UTR variant.
Genome position (GRCh38, 1-based): chr1:70,439,516, T>C. VCF-style: chr1-70439516-T-C. GRCh37 (hg19) VCF-style: chr1-70905199-T-C.
Other names: c.*389T>C (NM_001190463.2, NM_153742.5).
Identifiers: ClinVar variation 298046 (VCV000298046.5), dbSNP rs76751106, ClinGen allele CA10610733.
Genomic context (GRCh38, chr1:70,439,516, plus strand): 5'-GTAATTCATTTTTGATGTTTTGTGAAGAATTTAAATTTAAACGAATGTTCTTAAATCAAG[T>C]GTGATTTTTTTGCATATCATTGAAAAGAACATTAAAAGCAATGGTTTACACTTAGTTACC-3'